The following is an entry in ClinVar:

ClinVar aggregate classification (germline): Uncertain significance (1 of 4 stars; one submission).

Allele frequency attached by ClinVar (database versions not stated): TOPMed 0.00001.

Submission:

Labcorp Genetics (formerly Invitae), Labcorp
Classification: Uncertain significance. Last evaluated: 2022-11-01. Review status: criteria provided, single submitter. Criteria: Invitae Variant Classification Sherloc (09022015). Collection method: clinical testing. Allele origin: germline.
Comment: This variant is not present in population databases (gnomAD no frequency). This sequence change replaces aspartic acid, which is acidic and polar, with asparagine, which is neutral and polar, at codon 574 of the STT3A protein (p.Asp574Asn). This variant has not been reported in the literature in individuals affected with STT3A-related conditions. In summary, the available evidence is currently insufficient to determine the role of this variant in disease. Therefore, it has been classified as a Variant of Uncertain Significance. Advanced modeling of protein sequence and biophysical properties (such as structural, functional, and spatial information, amino acid conservation, physicochemical variation, residue mobility, and thermodynamic stability) performed at Invitae indicates that this missense variant is not expected to disrupt STT3A protein function.

NM_152713.5(STT3A):c.1720G>A (p.Asp574Asn)

Gene: STT3A (STT3 oligosaccharyltransferase complex catalytic subunit A; plus strand). Cytogenetic location: 11q24.2.
Variant type: single nucleotide variant.
Coding change: c.1720G>A on transcript NM_152713.5 (MANE Select); coding-DNA position 1720, G replaced by A.
Protein change: p.Asp574Asn; replaces aspartic acid 574 with asparagine.
Molecular consequence: missense variant.
Genome position (GRCh38, 1-based): chr11:125,614,372, G>A. VCF-style: chr11-125614372-G-A. GRCh37 (hg19) VCF-style: chr11-125484267-G-A.
Other names: c.1720G>A, p.Asp574Asn (NM_001278503.2); c.1444G>A, p.Asp482Asn (NM_001278504.2); short protein forms D482N, D574N.
Identifiers: ClinVar variation 1974922 (VCV001974922.5), dbSNP rs1436726925, ClinGen allele CA383186702.